The following is an entry in ClinVar:

NM_000057.4(BLM):c.1163A>T (p.Asp388Val)

Gene: BLM (BLM RecQ like helicase; plus strand). Cytogenetic location: 15q26.1.
Variant type: single nucleotide variant.
Coding change: c.1163A>T on transcript NM_000057.4 (MANE Select); coding-DNA position 1163, A replaced by T.
Protein change: p.Asp388Val; replaces aspartic acid 388 with valine.
Molecular consequence: missense variant.
Genome position (GRCh38, 1-based): chr15:90,760,222, A>T. VCF-style: chr15-90760222-A-T. GRCh37 (hg19) VCF-style: chr15-91303452-A-T.
Other names: c.1163A>T, p.Asp388Val (NM_001287246.2, NM_001287247.2); c.38A>T, p.Asp13Val (NM_001287248.2); short protein forms D13V, D388V.
Identifiers: ClinVar variation 3671016 (VCV003671016.3).
Genomic context (GRCh38, chr15:90,760,222, plus strand): 5'-TACAGCAGCAGCTTATTCATGTGATGGAGCACATCTGTAAATTAATTGATACTATTCCTG[A>T]TGATAAACTGAAACTTTTGGATTGTGGGAACGAACTGCTTCAGCAGCGGAACATAAGGTA-3'
Protein context (NP_000048.1, residues 378-398): HICKLIDTIP[Asp388Val]DKLKLLDCGN

ClinVar aggregate classification (germline): Uncertain significance. Review status: criteria provided, multiple submitters, no conflicts (2 of 4 stars). 2 submissions from 2 submitters: Uncertain significance (2). Last evaluated 2025-08-14.

Conditions:
Hereditary cancer-predisposing syndrome. Also called: Hereditary Cancer Syndrome; Hereditary neoplastic syndrome; Neoplastic Syndromes, Hereditary; Tumor predisposition. Identifiers: Orphanet 140162, MedGen C0027672, MeSH D009386, MONDO:0015356.
Bloom syndrome (BLM). Also called: Bloom-Torre-Machacek syndrome. Identifiers: Orphanet 125, MedGen C0005859, MONDO:0008876, OMIM 210900.

gnomAD v4.1: 3 of 1,614,046 alleles (0.00019%); highest among the groups gnomAD compares: Non-Finnish European, 0.00025%; no homozygotes.

Submissions (2):

Ambry Genetics
Classification: Uncertain significance for Hereditary cancer-predisposing syndrome. Last evaluated: 2025-08-14. Review status: criteria provided, single submitter. Criteria: Ambry Variant Classification Scheme 2023. Collection method: clinical testing. Allele origin: germline.
Comment: The p.D388V variant (also known as c.1163A>T), located in coding exon 5 of the BLM gene, results from an A to T substitution at nucleotide position 1163. The aspartic acid at codon 388 is replaced by valine, an amino acid with highly dissimilar properties. This amino acid position is conserved. In addition, this alteration is predicted to be tolerated by in silico analysis. Based on the available evidence, the clinical significance of this variant remains unclear.

Labcorp Genetics (formerly Invitae), Labcorp
Classification: Uncertain significance for Bloom syndrome. Last evaluated: 2024-06-09. Review status: criteria provided, single submitter. Criteria: Invitae Variant Classification Sherloc (09022015). Collection method: clinical testing. Allele origin: germline.
Comment: This sequence change replaces aspartic acid, which is acidic and polar, with valine, which is neutral and non-polar, at codon 388 of the BLM protein (p.Asp388Val). This variant is not present in population databases (gnomAD no frequency). This variant has not been reported in the literature in individuals affected with BLM-related conditions. Advanced modeling of protein sequence and biophysical properties (such as structural, functional, and spatial information, amino acid conservation, physicochemical variation, residue mobility, and thermodynamic stability) performed at Invitae indicates that this missense variant is not expected to disrupt BLM protein function with a negative predictive value of 80%. In summary, the available evidence is currently insufficient to determine the role of this variant in disease. Therefore, it has been classified as a Variant of Uncertain Significance.